The following is an entry in ClinVar:

ClinVar aggregate classification (germline): Likely benign (1 of 4 stars; one submission).

Conditions:
MCM3AP-related disorder. Also called: MCM3AP-related condition.

gnomAD v4.1: 2 of 1,613,832 alleles (0.00012%); highest among the groups gnomAD compares: Non-Finnish European, 0.00017%; no homozygotes.

Submission:

PreventionGenetics, part of Exact Sciences
Classification: Likely benign for MCM3AP-related condition. Last evaluated: 2025-01-03. Review status: criteria provided, single submitter. Criteria: ACMG Guidelines, 2015. Collection method: clinical testing. Allele origin: germline.
Comment: This variant is classified as likely benign based on ACMG/AMP sequence variant interpretation guidelines (Richards et al. 2015 PMID: 25741868, with internal and published modifications).

NM_003906.5(MCM3AP):c.2544C>T (p.Asn848=)

Gene: MCM3AP (minichromosome maintenance complex component 3 associated protein; minus strand). Cytogenetic location: 21q22.3.
Variant type: single nucleotide variant.
Coding change: c.2544C>T on transcript NM_003906.5 (MANE Select); coding-DNA position 2544, C replaced by T.
Protein change: p.Asn848=; no amino-acid change (asparagine 848 retained).
Molecular consequence: synonymous variant.
Genome position (GRCh38, 1-based): chr21:46,270,485, G>A on the plus strand (C>T on the coding strand, the complement: MCM3AP is on the minus strand). VCF-style: chr21-46270485-G-A. GRCh37 (hg19) VCF-style: chr21-47690399-G-A.
Identifiers: ClinVar variation 4998741 (VCV004998741.1).